The following is an entry in ClinVar:

NM_000153.4(GALC):c.1887del (p.Trp629fs)

Gene: GALC (galactosylceramidase; minus strand). Cytogenetic location: 14q31.3.
Variant type: Deletion.
Coding change: c.1887del on transcript NM_000153.4 (MANE Select); coding-DNA position 1887, one base deleted (G; older notation c.1887delG).
Protein change: p.Trp629fs; shifts the reading frame from tryptophan 629.
Molecular consequence: frameshift variant.
Genome position (GRCh38, 1-based): chr14:87,939,929, C deleted on the plus strand (G on the coding strand, the reverse complement: GALC is on the minus strand); the first of 2 consecutive C bases (chr14:87,939,929-87,939,930); deleting either gives the same sequence. VCF-style (leftmost placement, unchanged base first): chr14-87939928-AC-A. GRCh37 (hg19) VCF-style: chr14-88406272-AC-A.
Other names: c.1818del, p.Trp606fs (NM_001201401.2); c.1809del, p.Trp603fs (NM_001201402.2); short protein forms W629fs, W603fs, W606fs.
Identifiers: ClinVar variation 942480 (VCV000942480.10), dbSNP rs1884765073, ClinGen allele CA1139663613.

ClinVar aggregate classification (germline): Pathogenic (1 of 4 stars; one submission).

Conditions:
Galactosylceramide beta-galactosidase deficiency. Also called: Leukodystrophy, Globoid Cell; GALACTOCEREBROSIDASE DEFICIENCY; GALC DEFICIENCY; GLOBOID CELL LEUKOENCEPHALOPATHY; Krabbe Disease. Identifiers: Orphanet 487, MedGen C0023521, MONDO:0009499, OMIM 245200.

Submission:

Labcorp Genetics (formerly Invitae), Labcorp
Classification: Pathogenic for Galactosylceramide beta-galactosidase deficiency. Last evaluated: 2022-11-07. Review status: criteria provided, single submitter. Criteria: Invitae Variant Classification Sherloc (09022015). Collection method: clinical testing. Allele origin: germline.
Comment: For these reasons, this variant has been classified as Pathogenic. This variant disrupts a region of the GALC protein in which other variant(s) (p.Val681Met) have been determined to be pathogenic (PMID: 23462331, 31885218). This suggests that this is a clinically significant region of the protein, and that variants that disrupt it are likely to be disease-causing. ClinVar contains an entry for this variant (Variation ID: 942480). This premature translational stop signal has been observed in individual(s) with GALC-related conditions (Invitae). This variant is not present in population databases (gnomAD no frequency). This sequence change creates a premature translational stop signal (p.Trp629Cysfs*6) in the GALC gene. While this is not anticipated to result in nonsense mediated decay, it is expected to disrupt the last 57 amino acid(s) of the GALC protein.

Literature cited by the submitters: PubMed 23462331; PubMed 31885218.